The following is an entry in ClinVar:

ClinVar aggregate classification (germline): Likely pathogenic (1 of 4 stars; one submission).

Conditions:
Type 2 diabetes mellitus. Also called: Type II diabetes mellitus. Identifiers: MedGen C0011860, MeSH D003924, MONDO:0005148, OMIM 125853, HP:0005978.

Submission:

Foundation for Research in Genetics and Endocrinology, FRIGE's Institute of Human Genetics
Classification: Likely pathogenic for Type 2 diabetes mellitus. Last evaluated: 2026-01-31. Review status: criteria provided, single submitter. Criteria: ACMG Guidelines, 2015. Collection method: clinical testing. Allele origin: germline. Inheritance: Autosomal dominant inheritance. Affected: yes. Observed: 1 variant allele, 1 homozygote.
Comment: A homozygous deletion chr11: (17449953_17450111)_ (17450218_17452360)del, c.(1817+1_1818-1)_(1923+1_1924-1)del encompassing exon 13 of the ABCC8 gene. The identified variant has not been previously reported in literature. Large genomic deletions, such as deletion of exon 20-26 and exon 22–26 of the ABCC8 gene, have been reported in patients affected with congenital hyperinsulinism (PMID: 38791571). In summary the variant meets our criteria classified as likely pathogenic.

NC_000011.9:g.(17449953_17450111)_(17450218_17452360)del

Gene: ABCC8 (ATP binding cassette subfamily C member 8; minus strand). Cytogenetic location: 11p15.1.
Variant type: Deletion.
Identifiers: ClinVar variation 4880239 (VCV004880239.1).